The following is an entry in ClinVar:

ClinVar aggregate classification (germline): Uncertain significance. Review status: criteria provided, multiple submitters, no conflicts (2 of 4 stars). 2 submissions from 2 submitters: Uncertain significance (2). Last evaluated 2025-05-29.

Conditions:
Colorectal cancer, hereditary nonpolyposis, type 7. Identifiers: Orphanet 144, MedGen C1858380, MONDO:0013725, OMIM 614385.

Allele frequency attached by ClinVar (database versions not stated): gnomAD exomes below 0.00001.
gnomAD v4.1: 1 of 1,613,312 alleles (0.000062%); highest among the groups gnomAD compares: East Asian, 0.0022%; no homozygotes.

Submissions (2):

Ambry Genetics
Classification: Uncertain significance. Last evaluated: 2025-05-29. Review status: criteria provided, single submitter. Criteria: Ambry Variant Classification Scheme 2023. Collection method: clinical testing. Allele origin: germline.
Comment: The p.K585R variant (also known as c.1754A>G), located in coding exon 1 of the MLH3 gene, results from an A to G substitution at nucleotide position 1754. The lysine at codon 585 is replaced by arginine, an amino acid with highly similar properties. This amino acid position is conserved. In addition, this alteration is predicted to be tolerated by in silico analysis. Since supporting evidence is limited at this time, the clinical significance of this alteration remains unclear.

Labcorp Genetics (formerly Invitae), Labcorp
Classification: Uncertain significance for Colorectal cancer, hereditary nonpolyposis, type 7. Last evaluated: 2022-08-15. Review status: criteria provided, single submitter. Criteria: Invitae Variant Classification Sherloc (09022015). Collection method: clinical testing. Allele origin: germline.
Comment: In summary, the available evidence is currently insufficient to determine the role of this variant in disease. Therefore, it has been classified as a Variant of Uncertain Significance. Algorithms developed to predict the effect of missense changes on protein structure and function output the following: SIFT: "Tolerated"; PolyPhen-2: "Benign"; Align-GVGD: "Class C0". The arginine amino acid residue is found in multiple mammalian species, which suggests that this missense change does not adversely affect protein function. ClinVar contains an entry for this variant (Variation ID: 1450835). This variant has not been reported in the literature in individuals affected with MLH3-related conditions. This variant is present in population databases (no rsID available, gnomAD 0.006%). This sequence change replaces lysine, which is basic and polar, with arginine, which is basic and polar, at codon 585 of the MLH3 protein (p.Lys585Arg).

NM_001040108.2(MLH3):c.1754A>G (p.Lys585Arg)

Gene: MLH3 (mutL homolog 3; minus strand). Cytogenetic location: 14q24.3.
Variant type: single nucleotide variant.
Coding change: c.1754A>G on transcript NM_001040108.2 (MANE Select); coding-DNA position 1754, A replaced by G.
Protein change: p.Lys585Arg; replaces lysine 585 with arginine.
Molecular consequence: missense variant.
Genome position (GRCh38, 1-based): chr14:75,047,902, T>C on the plus strand (A>G on the coding strand, the complement: MLH3 is on the minus strand). VCF-style: chr14-75047902-T-C. GRCh37 (hg19) VCF-style: chr14-75514605-T-C.
Other names: c.1754A>G, p.Lys585Arg (NM_014381.3); short protein forms K585R.
Identifiers: ClinVar variation 1450835 (VCV001450835.9), dbSNP rs1398064873, ClinGen allele CA390444434.